The following is an entry in ClinVar:

ClinVar aggregate classification (germline): Uncertain significance. Review status: criteria provided, multiple submitters, no conflicts (2 of 4 stars). 2 submissions from 2 submitters: Uncertain significance (2). Last evaluated 2023-10-19.

Conditions:
Baller-Gerold syndrome (BGS). Also called: CRANIOSYNOSTOSIS WITH RADIAL DEFECTS. Identifiers: Orphanet 1225, MedGen C0265308, MONDO:0009039, OMIM 218600.

Allele frequency attached by ClinVar (database versions not stated): gnomAD exomes below 0.00001; TOPMed below 0.00001; ExAC 0.00001.

Submissions (2):

Labcorp Genetics (formerly Invitae), Labcorp
Classification: Uncertain significance for Baller-Gerold syndrome. Last evaluated: 2023-10-19. Review status: criteria provided, single submitter. Criteria: Invitae Variant Classification Sherloc (09022015). Collection method: clinical testing. Allele origin: germline.
Comment: This sequence change replaces proline, which is neutral and non-polar, with threonine, which is neutral and polar, at codon 308 of the RECQL4 protein (p.Pro308Thr). This variant is present in population databases (rs756016498, gnomAD 0.0009%). This variant has not been reported in the literature in individuals affected with RECQL4-related conditions. ClinVar contains an entry for this variant (Variation ID: 529029). Advanced modeling of protein sequence and biophysical properties (such as structural, functional, and spatial information, amino acid conservation, physicochemical variation, residue mobility, and thermodynamic stability) performed at Invitae indicates that this missense variant is not expected to disrupt RECQL4 protein function. In summary, the available evidence is currently insufficient to determine the role of this variant in disease. Therefore, it has been classified as a Variant of Uncertain Significance.

Breakthrough Genomics
Classification: Uncertain significance. Review status: criteria provided, single submitter. Criteria: ACMG Guidelines, 2015. Collection method: not provided. Allele origin: germline. Inheritance: Autosomal recessive inheritance. Affected: yes.

NM_004260.4(RECQL4):c.922C>A (p.Pro308Thr)

Gene: RECQL4 (RecQ like helicase 4; minus strand). Cytogenetic location: 8q24.3.
Variant type: single nucleotide variant.
Coding change: c.922C>A on transcript NM_004260.4 (MANE Select); coding-DNA position 922, C replaced by A.
Protein change: p.Pro308Thr; replaces proline 308 with threonine.
Molecular consequence: missense variant.
Genome position (GRCh38, 1-based): chr8:144,516,197, G>T on the plus strand (C>A on the coding strand, the complement: RECQL4 is on the minus strand). VCF-style: chr8-144516197-G-T. GRCh37 (hg19) VCF-style: chr8-145741581-G-T.
Other names: short protein forms P308T.
Identifiers: ClinVar variation 529029 (VCV000529029.7), dbSNP rs756016498, ClinGen allele CA4949140.